The following is an entry in ClinVar:

NM_144670.6(A2ML1):c.861C>T (p.Asp287=)

Gene: A2ML1 (alpha-2-macroglobulin like 1; plus strand). Cytogenetic location: 12p13.31.
Variant type: single nucleotide variant.
Coding change: c.861C>T on transcript NM_144670.6 (MANE Select); coding-DNA position 861, C replaced by T.
Protein change: p.Asp287=; no amino-acid change (aspartic acid 287 retained).
Molecular consequence: synonymous variant.
Genome position (GRCh38, 1-based): chr12:8,838,341, C>T. VCF-style: chr12-8838341-C-T. GRCh37 (hg19) VCF-style: chr12-8990937-C-T.
Other names: c.861C>T (NM_144670.5).
Identifiers: ClinVar variation 697935 (VCV000697935.16), dbSNP rs61921916, ClinGen allele CA6435466.

ClinVar aggregate classification (germline): Likely benign. Review status: criteria provided, multiple submitters, no conflicts (2 of 4 stars). 4 submissions from 4 submitters: Likely benign (3). 1 of the submissions does not count toward it. Last evaluated 2025-09-08.

Conditions:
A2ML1-related disorder. Also called: A2ML1-related condition.

Allele frequency attached by ClinVar (database versions not stated): 1000 Genomes Project 30x 0.00016; TOPMed 0.00018.
gnomAD v4.1: 105 of 1,612,606 alleles (0.0065%); highest among the groups gnomAD compares: African/African-American, 0.053%; no homozygotes.

Submissions (4):

Labcorp Genetics (formerly Invitae), Labcorp
Classification: Likely benign. Last evaluated: 2025-09-08. Review status: criteria provided, single submitter. Criteria: Invitae Variant Classification Sherloc (09022015). Collection method: clinical testing. Allele origin: germline.

GeneDx
Classification: Likely benign. Last evaluated: 2020-11-03. Review status: criteria provided, single submitter. Criteria: GeneDx Variant Classification Process June 2021. Collection method: clinical testing. Allele origin: germline. Affected: yes.

Ambry Genetics
Classification: Likely benign. Last evaluated: 2019-08-18. Review status: criteria provided, single submitter. Criteria: Ambry Variant Classification Scheme 2023. Collection method: clinical testing. Allele origin: germline.

PreventionGenetics, part of Exact Sciences
Classification: Likely benign for A2ML1-related condition. Last evaluated: 2023-11-27. Review status: no assertion criteria provided. Collection method: clinical testing. Allele origin: germline. Not counted in ClinVar's aggregate classification.
Comment: This variant is classified as likely benign based on ACMG/AMP sequence variant interpretation guidelines (Richards et al. 2015 PMID: 25741868, with internal and published modifications).